The following is an entry in ClinVar:

ClinVar aggregate classification (germline): Conflicting classifications of pathogenicity. Review status: criteria provided, conflicting classifications (1 of 4 stars). 7 submissions from 7 submitters: Uncertain significance (1); Likely benign (5). 1 of the submissions does not count toward it. Last evaluated 2026-06-15.

Conditions:
PKD1-related disorder. Also called: PKD1-related condition.
Polycystic kidney disease. Also called: Kidney, Polycystic; Polycystic kidney dysplasia. Identifiers: MedGen C0022680, MeSH D007690, MONDO:0020642, HP:0000113.

Allele frequency attached by ClinVar (database versions not stated): gnomAD 0.00027 and 0.00030; gnomAD exomes 0.00029; TOPMed 0.00032; ExAC 0.00036; ESP Exome Variant Server 0.00039.
gnomAD v4.1: 700 of 1,610,422 alleles (0.043%); highest among the groups gnomAD compares: Non-Finnish European, 0.056%; no homozygotes.

Submissions (8):

Women's Health and Genetics/Laboratory Corporation of America, LabCorp
Classification: Uncertain significance. Last evaluated: 2026-06-15. Review status: criteria provided, single submitter. Criteria: LabCorp Variant Classification Summary - May 2015. Collection method: clinical testing. Allele origin: germline.
Comment: Variant summary: PKD1 c.2707A>G (p.Ser903Gly) results in a non-conservative amino acid change in the encoded protein sequence. Algorithms developed to predict the effect of missense changes on protein structure and function are either unavailable or do not agree on the potential impact of this missense change. The variant allele was found at a frequency of 0.00029 in 248426 control chromosomes. This frequency is not significantly higher than estimated for disease-causing variants in PKD1, allowing no conclusion about variant significance. c.2707A>G has been observed in individuals affected with PKD1-related conditions, without strong evidence of causality (example: Rossetti_2007, Pandita_2019). These reports do not provide unequivocal conclusions about association of the variant with disease. To our knowledge, no experimental evidence demonstrating an impact on protein function has been reported. The following publications have been ascertained in the context of this evaluation (PMID: 30816285, 17582161). ClinVar contains an entry for this variant (Variation ID: 997281). Based on the evidence outlined above, the variant was classified as uncertain significance.

PreventionGenetics, part of Exact Sciences
Classification: Likely benign for PKD1-related condition. Last evaluated: 2024-11-19. Review status: criteria provided, single submitter. Criteria: ACMG Guidelines, 2015. Collection method: clinical testing. Allele origin: germline.
Comment: This variant is classified as likely benign based on ACMG/AMP sequence variant interpretation guidelines (Richards et al. 2015 PMID: 25741868, with internal and published modifications).

Blueprint Genetics
Classification: Likely benign. Last evaluated: 2024-08-15. Review status: criteria provided, single submitter. Criteria: ACMG Guidelines, 2015. Collection method: clinical testing. Allele origin: germline.

CeGaT Center for Human Genetics Tuebingen
Classification: Likely benign. Last evaluated: 2023-11-01. Review status: criteria provided, single submitter. Criteria: CeGaT Center For Human Genetics Tuebingen Variant Classification Criteria Version 2. Collection method: clinical testing. Allele origin: germline. Affected: yes. Observed: 1 variant allele.
Comment: PKD1: BP4, BS2

GeneDx
Classification: Likely benign. Last evaluated: 2019-10-23. Review status: criteria provided, single submitter. Criteria: GeneDx Variant Classification Process June 2021. Collection method: clinical testing. Allele origin: germline. Affected: yes.
Comment: In silico analysis, which includes protein predictors and evolutionary conservation, supports that this variant does not alter protein structure/function; This variant is associated with the following publications: (PMID: 30366773, 17582161)

Breakthrough Genomics
Classification: Likely benign. Review status: criteria provided, single submitter. Criteria: ACMG Guidelines, 2015. Collection method: not provided. Allele origin: germline. Inheritance: Autosomal dominant inheritance. Affected: yes.

Department of Pathology and Laboratory Medicine, Sinai Health System
Classification: Likely benign for Polycystic Kidney disease. Review status: no assertion criteria provided. Collection method: clinical testing. Allele origin: unknown. Affected: yes. Observed: 1 variant allele. Study: The Canadian Open Genetics Repository (COGR). Not counted in ClinVar's aggregate classification.
Comment: The PKD1 p.Ser903Gly variant was identified in 1 of 404 proband chromosomes (frequency: 0.002) from individuals or families with ADPKD, however this study classifies the variant as a â€šÃ„Ãºneutral changeâ€šÃ„Ã¹ (Rossetti 2007). The variant was also identified in dbSNP (ID: rs4018172) as â€šÃ„ÃºNAâ€šÃ„Ã¹, the ADPKD Mutation Database (as â€šÃ„Ãºlikely neutralâ€šÃ„Ã¹) and PKD1-LOVD 3.0 (as â€šÃ„Ãºunknownâ€šÃ„Ã¹). The variant was not found in Clinvitae, ClinVar, GeneInsight-COGR, MutDB, and PKD1-LOVD databases. This variant was identified in the NHLBI GO Exome Sequencing Project in 5 of 8588 European American alleles, and in the Exome Aggregation Consortium database (March 14, 2016) in 42 of 115554 chromosomes (freq. 0.0004) in the following populations: European (Non-Finnish) in 41 of 63256 chromosomes (freq. 0.0007), and African in 1 of 9420 chromosomes (freq. 0.0001), but was not seen in East Asian, Finnish, Latino, and South Asian populations, increasing the likelihood that this may be a low frequency benign variant in certain populations of origin. In addition we cannot be certain that data from control databases is specific to PKD1 and not from one of the six PKD1 pseudogenes. The p.Ser903 residue is not conserved in mammals and the variant amino acid Glycine (Gly) is present in the opossum, increasing the likelihood that this variant does not have clinical significance. The variant occurs outside of the splicing consensus sequence and 5 of 5 in silico or computational prediction software programs (SpliceSiteFinder, MaxEntScan, NNSPLICE, GeneSplicer, HumanSpliceFinder) predict the generation of a cryptic 5â€šÃ„Ã´ splice site. However, this information is not predictive enough to assume pathogenicity. In summary, based on the above information, the clinical significance of this variant cannot be determined with certainty at this time. This variant is classified as a variant of uncertain significance.

Dr. Peter K. Rogan Lab, Western University
No classification provided (evidence only). Condition: Malignant tumor of esophagus. Review status: no classification provided. Collection method: in vitro. Allele origin: not applicable. Functional consequence: skipped exon, retained intron. Not counted in ClinVar's aggregate classification.

Literature cited by the submitters: PubMed 30366773 (cited by Women's Health and Genetics/Laboratory Corporation of America, LabCorp); PubMed 17582161 (cited by Women's Health and Genetics/Laboratory Corporation of America, LabCorp); PubMed 30816285 (cited by Women's Health and Genetics/Laboratory Corporation of America, LabCorp); PubMed 25757501 (cited by Women's Health and Genetics/Laboratory Corporation of America, LabCorp); PubMed 38806232 (cited by Women's Health and Genetics/Laboratory Corporation of America, LabCorp).

NM_001009944.3(PKD1):c.2707A>G (p.Ser903Gly)

Gene: PKD1 (polycystin 1, transient receptor potential channel interacting; minus strand). Cytogenetic location: 16p13.3.
Variant type: single nucleotide variant.
Coding change: c.2707A>G on transcript NM_001009944.3 (MANE Select); coding-DNA position 2707, A replaced by G.
Protein change: p.Ser903Gly; replaces serine 903 with glycine.
Molecular consequence: missense variant.
Genome position (GRCh38, 1-based): chr16:2,114,316, T>C on the plus strand (A>G on the coding strand, the complement: PKD1 is on the minus strand). VCF-style: chr16-2114316-T-C. GRCh37 (hg19) VCF-style: chr16-2164317-T-C.
Other names: NC_000016.9:g.2164317T>C; c.2707A>G, p.Ser903Gly (NM_000296.4); short protein forms S903G.
Identifiers: ClinVar variation 997281 (VCV000997281.31), dbSNP rs4018172, ClinGen allele CA7833125.